The following is an entry in ClinVar:

ClinVar aggregate classification (germline): Uncertain significance (1 of 4 stars; one submission).

Conditions:
Cardiovascular phenotype. Identifiers: MedGen CN230736.

Submission:

Ambry Genetics
Classification: Uncertain significance for Cardiovascular phenotype. Last evaluated: 2026-07-29. Review status: criteria provided, single submitter. Criteria: Ambry Variant Classification Scheme 2023. Collection method: clinical testing. Allele origin: germline.
Comment: The p.S283F variant (also known as c.848C>T), located in coding exon 7 of the SPRED1 gene, results from a C to T substitution at nucleotide position 848. The serine at codon 283 is replaced by phenylalanine, an amino acid with highly dissimilar properties. This amino acid position is conserved. In addition, this alteration is predicted to be tolerated by in silico analysis. Based on the available evidence, the clinical significance of this variant remains unclear.

NM_152594.3(SPRED1):c.848C>T (p.Ser283Phe)

Gene: SPRED1 (sprouty related EVH1 domain containing 1; plus strand). Cytogenetic location: 15q14.
Variant type: single nucleotide variant.
Coding change: c.848C>T on transcript NM_152594.3 (MANE Select); coding-DNA position 848, C replaced by T.
Protein change: p.Ser283Phe; replaces serine 283 with phenylalanine.
Molecular consequence: missense variant.
Genome position (GRCh38, 1-based): chr15:38,351,177, C>T. VCF-style: chr15-38351177-C-T. GRCh37 (hg19) VCF-style: chr15-38643378-C-T.
Other names: short protein forms S283F.
Identifiers: ClinVar variation 5030122 (VCV005030122.1).